The following is an entry in ClinVar:

ClinVar aggregate classification (germline): Uncertain significance. Review status: criteria provided, multiple submitters, no conflicts (2 of 4 stars). 2 submissions from 2 submitters: Uncertain significance (2). Last evaluated 2025-08-12.

Allele frequency attached by ClinVar (database versions not stated): ExAC 0.00001; gnomAD exomes 0.00002.
gnomAD v4.1: 28 of 1,564,184 alleles (0.0018%); highest among the groups gnomAD compares: Non-Finnish European, 0.0023%; no homozygotes.

Submissions (2):

GeneDx
Classification: Uncertain significance. Last evaluated: 2025-08-12. Review status: criteria provided, single submitter. Criteria: GeneDx Variant Classification Process June 2021. Collection method: clinical testing. Allele origin: germline.
Comment: Not observed at significant frequency in large population cohorts (gnomAD); Has not been previously published as pathogenic or benign to our knowledge; In silico analysis is inconclusive as to whether the variant alters gene splicing. In the absence of RNA/functional studies, the actual effect of this sequence change is unknown.

Labcorp Genetics (formerly Invitae), Labcorp
Classification: Uncertain significance. Last evaluated: 2022-04-07. Review status: criteria provided, single submitter. Criteria: Invitae Variant Classification Sherloc (09022015). Collection method: clinical testing. Allele origin: germline.
Comment: This sequence change falls in intron 6 of the RMND1 gene. It does not directly change the encoded amino acid sequence of the RMND1 protein. It affects a nucleotide within the consensus splice site. This variant is present in population databases (rs772128189, gnomAD 0.003%). This variant has not been reported in the literature in individuals affected with RMND1-related conditions. Variants that disrupt the consensus splice site are a relatively common cause of aberrant splicing (PMID: 17576681, 9536098). Algorithms developed to predict the effect of sequence changes on RNA splicing suggest that this variant may disrupt the consensus splice site. In summary, the available evidence is currently insufficient to determine the role of this variant in disease. Therefore, it has been classified as a Variant of Uncertain Significance.

Literature cited by the submitters: PubMed 17576681 (cited by Labcorp Genetics (formerly Invitae), Labcorp); PubMed 9536098 (cited by Labcorp Genetics (formerly Invitae), Labcorp).

NM_017909.4(RMND1):c.830+3A>G

Gene: RMND1 (required for meiotic nuclear division 1 homolog; minus strand). Cytogenetic location: 6q25.1.
Variant type: single nucleotide variant.
Coding change: c.830+3A>G on transcript NM_017909.4 (MANE Select); 3 bases into the intron after coding-DNA position 830, A replaced by G.
Molecular consequence: intron variant.
Genome position (GRCh38, 1-based): chr6:151,427,479, T>C on the plus strand (A>G on the coding strand, the complement: RMND1 is on the minus strand). VCF-style: chr6-151427479-T-C. GRCh37 (hg19) VCF-style: chr6-151748614-T-C.
Other names: c.320+3A>G (NM_001271937.2).
Identifiers: ClinVar variation 2173413 (VCV002173413.3), dbSNP rs772128189, ClinGen allele CA4050906.